The following is an entry in ClinVar:

NM_004310.5(RHOH):c.101A>G (p.Lys34Arg)

Gene: RHOH (ras homolog family member H; plus strand). Cytogenetic location: 4p14.
Variant type: single nucleotide variant.
Coding change: c.101A>G on transcript NM_004310.5 (MANE Select); coding-DNA position 101, A replaced by G.
Protein change: p.Lys34Arg; replaces lysine 34 with arginine.
Molecular consequence: missense variant.
Genome position (GRCh38, 1-based): chr4:40,243,487, A>G. VCF-style: chr4-40243487-A-G. GRCh37 (hg19) VCF-style: chr4-40245107-A-G.
Other names: c.101A>G, p.Lys34Arg (NM_001278359.2, NM_001278360.2, NM_001278361.2 and 8 more transcripts); short protein forms K34R.
Identifiers: ClinVar variation 1994043 (VCV001994043.4), dbSNP rs370515707, ClinGen allele CA2897722.
Genomic context (GRCh38, chr4:40,243,487, plus strand): 5'-CTGTGGGGAAAACCTCTCTGTTGGTGCGCTTCACCTCCGAGACCTTCCCGGAGGCCTACA[A>G]GCCCACAGTGTACGAGAACACAGGGGTGGACGTCTTCATGGATGGCATCCAGATCAGCCT-3'
Protein context (NP_004301.1, residues 24-44): FTSETFPEAY[Lys34Arg]PTVYENTGVD

ClinVar aggregate classification (germline): Uncertain significance (1 of 4 stars; one submission).

Conditions:
T-cell immunodeficiency with epidermodysplasia verruciformis. Identifiers: Orphanet 324294, MedGen C4749500, MONDO:0017925.

Allele frequency attached by ClinVar (database versions not stated): ExAC 0.00001; TOPMed 0.00001; ESP Exome Variant Server 0.00008.
gnomAD v4.1: 1 of 1,613,656 alleles (0.000062%); highest among the groups gnomAD compares: East Asian, 0.0022%; no homozygotes.

Submission:

Labcorp Genetics (formerly Invitae), Labcorp
Classification: Uncertain significance for T-cell immunodeficiency with epidermodysplasia verruciformis. Last evaluated: 2023-08-17. Review status: criteria provided, single submitter. Criteria: Invitae Variant Classification Sherloc (09022015). Collection method: clinical testing. Allele origin: germline.
Comment: This variant is present in population databases (rs370515707, gnomAD 0.0009%). This sequence change replaces lysine, which is basic and polar, with arginine, which is basic and polar, at codon 34 of the RHOH protein (p.Lys34Arg). This variant has not been reported in the literature in individuals affected with RHOH-related conditions. ClinVar contains an entry for this variant (Variation ID: 1994043). Algorithms developed to predict the effect of missense changes on protein structure and function output the following: SIFT: "Not Available"; PolyPhen-2: "Benign"; Align-GVGD: "Not Available". The arginine amino acid residue is found in multiple mammalian species, which suggests that this missense change does not adversely affect protein function. In summary, the available evidence is currently insufficient to determine the role of this variant in disease. Therefore, it has been classified as a Variant of Uncertain Significance.